The following is an entry in ClinVar:

NM_147127.5(EVC2):c.649T>C (p.Ser217Pro)

Gene: EVC2 (EvC ciliary complex subunit 2; minus strand). Cytogenetic location: 4p16.2.
Variant type: single nucleotide variant.
Coding change: c.649T>C on transcript NM_147127.5 (MANE Select); coding-DNA position 649, T replaced by C.
Protein change: p.Ser217Pro; replaces serine 217 with proline.
Molecular consequence: missense variant.
Genome position (GRCh38, 1-based): chr4:5,689,214, A>G on the plus strand (T>C on the coding strand, the complement: EVC2 is on the minus strand). VCF-style: chr4-5689214-A-G. GRCh37 (hg19) VCF-style: chr4-5690941-A-G.
Other names: c.409T>C, p.Ser137Pro (NM_001166136.2); short protein forms S137P, S217P.
Identifiers: ClinVar variation 1920840 (VCV001920840.5), dbSNP rs2475590932, ClinGen allele CA356148332.

ClinVar aggregate classification (germline): Uncertain significance (1 of 4 stars; one submission).

Conditions:
Curry-Hall syndrome (WAD). Also called: WEYERS ACRODENTAL DYSOSTOSIS. Identifiers: Orphanet 952, MedGen C0457013, MONDO:0008673, OMIM 193530.
Ellis-van Creveld syndrome (EVC). Also called: EVC-Related Ellis-van Creveld Syndrome; EVC2-Related Ellis-van Creveld Syndrome; Chondroectodermal dysplasia; MESOECTODERMAL DYSPLASIA. Identifiers: Orphanet 289, MedGen C0013903, MONDO:0009162, OMIM 225500.

Allele frequency attached by ClinVar (database versions not stated): gnomAD exomes below 0.00001.
gnomAD v4.1: 6 of 1,614,238 alleles (0.00037%); highest among the groups gnomAD compares: Non-Finnish European, 0.00051%; no homozygotes.

Submission:

Labcorp Genetics (formerly Invitae), Labcorp
Classification: Uncertain significance for Curry-Hall syndrome; Ellis-van Creveld syndrome. Last evaluated: 2023-07-07. Review status: criteria provided, single submitter. Criteria: Invitae Variant Classification Sherloc (09022015). Collection method: clinical testing. Allele origin: germline.
Comment: In summary, the available evidence is currently insufficient to determine the role of this variant in disease. Therefore, it has been classified as a Variant of Uncertain Significance. An algorithm developed to predict the effect of missense changes on protein structure and function (PolyPhen-2) suggests that this variant is likely to be disruptive. ClinVar contains an entry for this variant (Variation ID: 1920840). This variant has not been reported in the literature in individuals affected with EVC2-related conditions. This variant is not present in population databases (gnomAD no frequency). This sequence change replaces serine, which is neutral and polar, with proline, which is neutral and non-polar, at codon 217 of the EVC2 protein (p.Ser217Pro).